The following is an entry in ClinVar:

NM_003185.4(TAF4):c.2036A>G (p.Gln679Arg)

Gene: TAF4 (TATA-box binding protein associated factor 4; minus strand). Cytogenetic location: 20q13.33.
Variant type: single nucleotide variant.
Coding change: c.2036A>G on transcript NM_003185.4 (MANE Select); coding-DNA position 2036, A replaced by G.
Protein change: p.Gln679Arg; replaces glutamine 679 with arginine.
Molecular consequence: missense variant.
Genome position (GRCh38, 1-based): chr20:62,006,697, T>C on the plus strand (A>G on the coding strand, the complement: TAF4 is on the minus strand). VCF-style: chr20-62006697-T-C. GRCh37 (hg19) VCF-style: chr20-60581753-T-C.
Other names: short protein forms Q679R.
Identifiers: ClinVar variation 3893623 (VCV003893623.1).

ClinVar aggregate classification (germline): Uncertain significance (1 of 4 stars; one submission).

Submission:

GeneDx
Classification: Uncertain significance. Last evaluated: 2024-10-27. Review status: criteria provided, single submitter. Criteria: GeneDx Variant Classification Process June 2021. Collection method: clinical testing. Allele origin: germline. Affected: yes.
Comment: Not observed at significant frequency in large population cohorts (gnomAD); In silico analysis indicates that this missense variant does not alter protein structure/function; Has not been previously published as pathogenic or benign to our knowledge